The following is an entry in ClinVar:

NM_001903.5(CTNNA1):c.589-4G>C

Gene: CTNNA1 (catenin alpha 1; plus strand). Cytogenetic location: 5q31.2.
Variant type: single nucleotide variant.
Coding change: c.589-4G>C on transcript NM_001903.5 (MANE Select); 4 bases into the intron before coding-DNA position 589, G replaced by C.
Molecular consequence: intron variant.
Genome position (GRCh38, 1-based): chr5:138,824,526, G>C. VCF-style: chr5-138824526-G-C. GRCh37 (hg19) VCF-style: chr5-138160215-G-C.
Other names: c.589-4G>C (NM_001323982.2, NM_001323984.2, NM_001290307.3 and 3 more transcripts); c.220-4G>C (NM_001290310.3); c.280-4G>C (NM_001290309.3).
Identifiers: ClinVar variation 3773330 (VCV003773330.1).
Genomic context (GRCh38, chr5:138,824,526, plus strand): 5'-ATTTTTATATGAGTAAAGCCCATATAAAGAGTGCTCCAATTTCTTGTTTTATTTACTCTT[G>C]TAGGAATTGAAAGATGTTGGCCATCGTGATCAGATGGCTGCAGCTAGAGGAATCCTGCAG-3'

ClinVar aggregate classification (germline): Likely benign (1 of 4 stars; one submission).

Conditions:
Hereditary diffuse gastric adenocarcinoma (HDGC). Also called: DIFFUSE GASTRIC AND LOBULAR BREAST CANCER SYNDROME. Identifiers: Orphanet 26106, MedGen C1708349, MONDO:0007648, OMIM 137215.

gnomAD v4.1: 1 of 1,612,494 alleles (0.000062%); highest among the groups gnomAD compares: Non-Finnish European, 0.000085%; no homozygotes.

Submission:

Myriad Genetics, Inc.
Classification: Likely benign for Hereditary diffuse gastric adenocarcinoma. Last evaluated: 2024-10-10. Review status: criteria provided, single submitter. Criteria: Myriad Autosomal Dominant, Autosomal Recessive and X-Linked Classification Criteria (2023). Collection method: clinical testing. Allele origin: unknown.
Comment: This variant is considered likely benign. This variant is intronic and is not expected to impact mRNA splicing.